The following is an entry in ClinVar:

NM_206926.2(SELENON):c.1257G>A (p.Trp419Ter)

Gene: SELENON (selenoprotein N; plus strand). Cytogenetic location: 1p36.11.
Variant type: single nucleotide variant.
Coding change: c.1257G>A on transcript NM_206926.2 (MANE Select); coding-DNA position 1257, G replaced by A.
Protein change: p.Trp419Ter; replaces tryptophan 419 with a stop codon.
Molecular consequence: nonsense.
Genome position (GRCh38, 1-based): chr1:25,812,764, G>A. VCF-style: chr1-25812764-G-A. GRCh37 (hg19) VCF-style: chr1-26139255-G-A.
Other names: c.1359G>A, p.Trp453Ter (NM_020451.3); short protein forms W419*, W453*.
Identifiers: ClinVar variation 4759946 (VCV004759946.1).

ClinVar aggregate classification (germline): Pathogenic (1 of 4 stars; one submission).

Conditions:
Eichsfeld type congenital muscular dystrophy (CMYO3). Also called: MYOPATHY, SEPN1-RELATED; Rigid spine muscular dystrophy 1; SELENON-related myopathy; Congenital myopathy 3 with rigid spine. Identifiers: MedGen C0410180, MONDO:0100100, OMIM 602771.

gnomAD v4.1: 1 of 1,613,522 alleles (0.000062%); highest among the groups gnomAD compares: Non-Finnish European, 0.000085%; no homozygotes.

Submission:

Labcorp Genetics (formerly Invitae), Labcorp
Classification: Pathogenic for Eichsfeld type congenital muscular dystrophy. Last evaluated: 2026-01-09. Review status: criteria provided, single submitter. Criteria: Invitae Variant Classification Sherloc (09022015). Collection method: clinical testing. Allele origin: germline.
Comment: This sequence change creates a premature translational stop signal (p.Trp453*) in the SELENON gene. It is expected to result in an absent or disrupted protein product. Loss-of-function variants in SELENON are known to be pathogenic (PMID: 21131290, 21670436). This variant is not present in population databases (gnomAD no frequency). This variant has not been reported in the literature in individuals affected with SELENON-related conditions. For these reasons, this variant has been classified as Pathogenic.

Literature cited by the submitters: PubMed 21131290; PubMed 21670436.